The following is an entry in ClinVar:

ClinVar aggregate classification (germline): Uncertain significance. Review status: criteria provided, multiple submitters, no conflicts (2 of 4 stars). 2 submissions from 2 submitters: Uncertain significance (2). Last evaluated 2025-11-04.

Conditions:
TTN-related disorder. Also called: TTN-related condition; TTN-related disease; TTN-related disorders.

Allele frequency attached by ClinVar (database versions not stated): gnomAD exomes 0.00001 and 0.00002; ExAC 0.00002; gnomAD 0.00004 and 0.00005; TOPMed 0.00006.
gnomAD v4.1: 15 of 1,612,516 alleles (0.00093%); highest among the groups gnomAD compares: African/African-American, 0.02%; no homozygotes.

Submissions (2):

PreventionGenetics, part of Exact Sciences
Classification: Uncertain significance for TTN-related condition. Last evaluated: 2025-11-04. Review status: criteria provided, single submitter. Criteria: ACMG Guidelines, 2015. Collection method: clinical testing. Allele origin: germline.
Comment: The TTN c.21707T>C variant is predicted to result in the amino acid substitution p.Leu7236Ser. To our knowledge, this variant has not been reported in the literature. This variant is reported in 0.025% of alleles in individuals of African descent in gnomAD. At this time, the clinical significance of this variant is uncertain due to the absence of conclusive functional and genetic evidence.

Eurofins Ntd Llc (ga)
Classification: Uncertain significance. Last evaluated: 2016-08-25. Review status: criteria provided, single submitter. Criteria: EGL Classification Definitions 2015. Collection method: clinical testing. Allele origin: germline. Observed: 1 variant allele, 1 heterozygote.

NM_001267550.2(TTN):c.21707T>C (p.Leu7236Ser)

Gene: TTN (titin; minus strand). Cytogenetic location: 2q31.2.
Variant type: single nucleotide variant.
Coding change: c.21707T>C on transcript NM_001267550.2 (MANE Select); coding-DNA position 21707, T replaced by C.
Protein change: p.Leu7236Ser; replaces leucine 7236 with serine.
Molecular consequence: missense variant. On other transcripts: intron variant (3).
Genome position (GRCh38, 1-based): chr2:178,723,300, A>G on the plus strand (T>C on the coding strand, the complement: TTN is on the minus strand). VCF-style: chr2-178723300-A-G. GRCh37 (hg19) VCF-style: chr2-179588027-A-G.
Other names: c.20756T>C, p.Leu6919Ser (NM_001256850.1); c.17975T>C, p.Leu5992Ser (NM_133378.4); c.13282+14782T>C (NM_003319.4); c.13858+14782T>C (NM_133437.4); c.13657+14782T>C (NM_133432.3); short protein forms L7236S, L5992S, L6919S.
Identifiers: ClinVar variation 290637 (VCV000290637.6), dbSNP rs746222807, ClinGen allele CA2000964.